The following is an entry in ClinVar:

ClinVar aggregate classification (germline): Uncertain significance (1 of 4 stars; one submission).

Conditions:
Epidermolysis bullosa simplex 3, localized or generalized intermediate, with BP230 deficiency (EBS3). Also called: Epidermolysis bullosa simplex due to BP230 deficiency; Epidermolysis bullosa simplex, autosomal recessive 2. Identifiers: Orphanet 412181, MedGen C3809470, MONDO:0014180, OMIM 615425.
Hereditary sensory and autonomic neuropathy type 6. Also called: Neuropathy, hereditary sensory and autonomic, type VI; HSAN VI. Identifiers: Orphanet 314381, MedGen C3539003, MONDO:0013839, OMIM 614653.

Submission:

Labcorp Genetics (formerly Invitae), Labcorp
Classification: Uncertain significance for Epidermolysis bullosa simplex 3, localized or generalized intermediate, with BP230 deficiency; Hereditary sensory and autonomic neuropathy type 6. Last evaluated: 2019-09-13. Review status: criteria provided, single submitter. Criteria: Invitae Variant Classification Sherloc (09022015). Collection method: clinical testing. Allele origin: germline.
Comment: This variant has not been reported in the literature in individuals with DST-related conditions. This variant is not present in population databases (ExAC no frequency). This sequence change affects codon 1619 of the DST mRNA. It is a 'silent' change, meaning that it does not change the encoded amino acid sequence of the DST protein. This variant also falls at the last nucleotide of exon 29 of the DST coding sequence, which is part of the consensus splice site for this exon. The DST gene has multiple clinically relevant transcripts. The c.4857G>A variant occurs in alternate transcript NM_015548.4, which corresponds to c.*21854G>A in NM_001723.5, the primary transcript listed in the Methods. In summary, the available evidence is currently insufficient to determine the role of this variant in disease. Therefore, it has been classified as a Variant of Uncertain Significance. Nucleotide substitutions within the consensus splice site are a relatively common cause of aberrant splicing (PMID: 17576681, 9536098). Algorithms developed to predict the effect of sequence changes on RNA splicing suggest that this variant may create or strengthen a splice site, but this prediction has not been confirmed by published transcriptional studies.

Literature cited by the submitters: PubMed 17576681; PubMed 9536098.

NM_001374736.1(DST):c.12726G>A (p.Lys4242=)

Gene: DST (dystonin; minus strand). Cytogenetic location: 6p12.1.
Variant type: single nucleotide variant.
Coding change: c.12726G>A on transcript NM_001374736.1 (MANE Select); coding-DNA position 12726, G replaced by A.
Protein change: p.Lys4242=; no amino-acid change (lysine 4242 retained).
Molecular consequence: synonymous variant.
Genome position (GRCh38, 1-based): chr6:56,593,663, C>T on the plus strand (G>A on the coding strand, the complement: DST is on the minus strand). VCF-style: chr6-56593663-C-T. GRCh37 (hg19) VCF-style: chr6-56458461-C-T.
Other names: c.6369G>A, p.Lys2123= (NM_001144769.5); c.5955G>A, p.Lys1985= (NM_001144770.2); c.12726G>A, p.Lys4242= (NM_001374722.1); c.12093G>A, p.Lys4031= (NM_001374729.1); c.5835G>A, p.Lys1945= (NM_001374730.1, NM_183380.4); c.12753G>A, p.Lys4251= (NM_001374734.1); c.4857G>A, p.Lys1619= (NM_015548.5).
Identifiers: ClinVar variation 972654 (VCV000972654.8), dbSNP rs2098327053, ClinGen allele CA450488933.